The following is an entry in ClinVar:

NM_022132.5(MCCC2):c.1540_1558del (p.Glu514fs)

Gene: MCCC2 (methylcrotonyl-CoA carboxylase subunit 2; plus strand). Cytogenetic location: 5q13.2.
Variant type: Deletion.
Coding change: c.1540_1558del on transcript NM_022132.5 (MANE Select); coding-DNA positions 1540 to 1558, 19 bases deleted (GAAGAGGAAGGAAACCCTT).
Protein change: p.Glu514fs; shifts the reading frame from glutamic acid 514.
Molecular consequence: frameshift variant.
Genome position (GRCh38, 1-based): chr5:71,652,720-71,652,738, GAAGAGGAAGGAAACCCTT deleted; deleting any 19 consecutive bases within chr5:71,652,718-71,652,738 gives the same sequence; the c. name uses the placement nearest the transcript's 3' end. VCF-style (leftmost placement, unchanged base first): chr5-71652717-TTTGAAGAGGAAGGAAACCC-T. GRCh37 (hg19) VCF-style: chr5-70948544-TTTGAAGAGGAAGGAAACCC-T.
Other names: c.1426_1444del, p.Glu476fs (NM_001363147.1); short protein forms E476fs, E514fs.
Identifiers: ClinVar variation 4816102 (VCV004816102.1).

ClinVar aggregate classification (germline): Likely pathogenic (1 of 4 stars; one submission).

Conditions:
3-methylcrotonyl-CoA carboxylase 2 deficiency. Also called: 3 alpha methylcrotonyl-CoA carboxylase 2 deficiency; 3 alpha methylcrotonylglycinuria 2; MCC 2 deficiency; Methylcrotonylglycinuria type 2; METHYLCROTONYLGLYCINURIA, TYPE II. Identifiers: Orphanet 6, MedGen C1859499, MONDO:0008862, OMIM 210210.

Submission:

Natera, Inc.
Classification: Likely pathogenic for 3-methylcrotonyl-CoA carboxylase 2 deficiency. Last evaluated: 2025-06-23. Review status: criteria provided, single submitter. Criteria: Natera Variant Classification Schema (03/2026). Collection method: clinical testing. Allele origin: germline.
Comment: The c.1540_1558del variant in MCCC2 is a frameshift variant predicted to shift the reading frame beginning at codon 514 and leads to a stop codon 34 codons downstream. This variant is expected to result in nonsense mediated decay, truncation, or a dysfunctional protein product. This variant is rare in the general population with a frequency below the threshold expected for the associated phenotype(s). Given the available evidence, this variant is classified as Likely Pathogenic.